The following is an entry in ClinVar:

ClinVar aggregate classification (germline): Uncertain significance (1 of 4 stars; one submission).

Submission:

Labcorp Genetics (formerly Invitae), Labcorp
Classification: Uncertain significance. Last evaluated: 2021-01-19. Review status: criteria provided, single submitter. Criteria: Invitae Variant Classification Sherloc (09022015). Collection method: clinical testing. Allele origin: germline.
Comment: This sequence change replaces glycine with glutamic acid at codon 4618 of the PCLO protein (p.Gly4618Glu). The glycine residue is moderately conserved and there is a moderate physicochemical difference between glycine and glutamic acid. In summary, the available evidence is currently insufficient to determine the role of this variant in disease. Therefore, it has been classified as a Variant of Uncertain Significance. Algorithms developed to predict the effect of missense changes on protein structure and function are either unavailable or do not agree on the potential impact of this missense change (SIFT: "Deleterious"; PolyPhen-2: "Not Available"; Align-GVGD: "Class C0"). This variant has not been reported in the literature in individuals with PCLO-related conditions. This variant is not present in population databases (ExAC no frequency).

NM_033026.6(PCLO):c.13853G>A (p.Gly4618Glu)

Gene: PCLO (piccolo presynaptic cytomatrix protein; minus strand). Cytogenetic location: 7q21.11.
Variant type: single nucleotide variant.
Coding change: c.13853G>A on transcript NM_033026.6 (MANE Select); coding-DNA position 13853, G replaced by A.
Protein change: p.Gly4618Glu; replaces glycine 4618 with glutamic acid.
Molecular consequence: missense variant.
Genome position (GRCh38, 1-based): chr7:82,845,464, C>T on the plus strand (G>A on the coding strand, the complement: PCLO is on the minus strand). VCF-style: chr7-82845464-C-T. GRCh37 (hg19) VCF-style: chr7-82474780-C-T.
Other names: c.13853G>A, p.Gly4618Glu (NM_014510.3); short protein forms G4618E.
Identifiers: ClinVar variation 1437002 (VCV001437002.8), dbSNP rs1792476124, ClinGen allele CA367879052.